The following is an entry in ClinVar:

NM_152564.5(VPS13B):c.3443A>G (p.Glu1148Gly)

Gene: VPS13B (vacuolar protein sorting 13 homolog B; plus strand). Cytogenetic location: 8q22.2.
Variant type: single nucleotide variant.
Coding change: c.3443A>G on transcript NM_152564.5 (MANE Select); coding-DNA position 3443, A replaced by G.
Protein change: p.Glu1148Gly; replaces glutamic acid 1148 with glycine.
Molecular consequence: missense variant.
Genome position (GRCh38, 1-based): chr8:99,442,633, A>G. VCF-style: chr8-99442633-A-G. GRCh37 (hg19) VCF-style: chr8-100454861-A-G.
Other names: c.3443A>G, p.Glu1148Gly (NM_017890.5); short protein forms E1148G.
Identifiers: ClinVar variation 2146062 (VCV002146062.1), dbSNP rs2490163721, ClinGen allele CA371871148.

ClinVar aggregate classification (germline): Uncertain significance (1 of 4 stars; one submission).

Conditions:
Cohen syndrome (COH1). Also called: PEPPER SYNDROME; Cutis verticis gyrata, retinitis pigmentosa, and sensorineural deafness. Identifiers: Orphanet 193, MedGen C0265223, MONDO:0008999, OMIM 216550.

Submission:

Labcorp Genetics (formerly Invitae), Labcorp
Classification: Uncertain significance for Cohen syndrome. Last evaluated: 2022-06-18. Review status: criteria provided, single submitter. Criteria: Invitae Variant Classification Sherloc (09022015). Collection method: clinical testing. Allele origin: germline.
Comment: This sequence change replaces glutamic acid, which is acidic and polar, with glycine, which is neutral and non-polar, at codon 1148 of the VPS13B protein (p.Glu1148Gly). This variant is not present in population databases (gnomAD no frequency). This variant has not been reported in the literature in individuals affected with VPS13B-related conditions. Algorithms developed to predict the effect of missense changes on protein structure and function are either unavailable or do not agree on the potential impact of this missense change (SIFT: "Not Available"; PolyPhen-2: "Probably Damaging"; Align-GVGD: "Not Available"). In summary, the available evidence is currently insufficient to determine the role of this variant in disease. Therefore, it has been classified as a Variant of Uncertain Significance.